The following is an entry in ClinVar:

NM_004863.4(SPTLC2):c.1447G>T (p.Gly483Ter)

Gene: SPTLC2 (serine palmitoyltransferase long chain base subunit 2; minus strand). Cytogenetic location: 14q24.3.
Variant type: single nucleotide variant.
Coding change: c.1447G>T on transcript NM_004863.4 (MANE Select); coding-DNA position 1447, G replaced by T.
Protein change: p.Gly483Ter; replaces glycine 483 with a stop codon.
Molecular consequence: nonsense.
Genome position (GRCh38, 1-based): chr14:77,518,160, C>A on the plus strand (G>T on the coding strand, the complement: SPTLC2 is on the minus strand). VCF-style: chr14-77518160-C-A. GRCh37 (hg19) VCF-style: chr14-77984503-C-A.
Other names: short protein forms G483*.
Identifiers: ClinVar variation 1010136 (VCV001010136.6), dbSNP rs756812919, ClinGen allele CA7289149.

ClinVar aggregate classification (germline): Uncertain significance (1 of 4 stars; one submission).

Conditions:
Neuropathy, hereditary sensory and autonomic, type 1C. Also called: HSAN IC; HSN IC. Identifiers: Orphanet 36386, MedGen C3150896, MONDO:0013337, OMIM 613640.

Allele frequency attached by ClinVar (database versions not stated): gnomAD exomes below 0.00001; ExAC 0.00001; gnomAD 0.00001; TOPMed 0.00001.
gnomAD v4.1: 6 of 1,613,968 alleles (0.00037%); highest among the groups gnomAD compares: Non-Finnish European, 0.00051%; no homozygotes.

Submission:

Labcorp Genetics (formerly Invitae), Labcorp
Classification: Uncertain significance for Neuropathy, hereditary sensory and autonomic, type 1C. Last evaluated: 2024-06-29. Review status: criteria provided, single submitter. Criteria: Invitae Variant Classification Sherloc (09022015). Collection method: clinical testing. Allele origin: germline.
Comment: This sequence change creates a premature translational stop signal (p.Gly483*) in the SPTLC2 gene. It is expected to result in an absent or disrupted protein product. However, the current clinical and genetic evidence is not sufficient to establish whether loss-of-function variants in SPTLC2 cause disease. This variant is present in population databases (rs756812919, gnomAD 0.0009%). This variant has not been reported in the literature in individuals affected with SPTLC2-related conditions. This premature translational stop signal has been observed in at least one individual who was not affected with SPTLC2-related conditions (Invitae). ClinVar contains an entry for this variant (Variation ID: 1010136). In summary, the available evidence is currently insufficient to determine the role of this variant in disease. Therefore, it has been classified as a Variant of Uncertain Significance.